The following is an entry in ClinVar:

NM_000153.4(GALC):c.830G>A (p.Ser277Asn)

Gene: GALC (galactosylceramidase; minus strand). Cytogenetic location: 14q31.3.
Variant type: single nucleotide variant.
Coding change: c.830G>A on transcript NM_000153.4 (MANE Select); coding-DNA position 830, G replaced by A.
Protein change: p.Ser277Asn; replaces serine 277 with asparagine.
Molecular consequence: missense variant.
Genome position (GRCh38, 1-based): chr14:87,968,413, C>T on the plus strand (G>A on the coding strand, the complement: GALC is on the minus strand). VCF-style: chr14-87968413-C-T. GRCh37 (hg19) VCF-style: chr14-88434757-C-T.
Other names: c.761G>A, p.Ser254Asn (NM_001201401.2); c.752G>A, p.Ser251Asn (NM_001201402.2); short protein forms S251N, S254N, S277N.
Identifiers: ClinVar variation 873006 (VCV000873006.6), dbSNP rs1886145312, ClinGen allele CA390747959.

ClinVar aggregate classification (germline): Pathogenic/Likely pathogenic. Review status: criteria provided, multiple submitters, no conflicts (2 of 4 stars). 4 submissions from 3 submitters: Pathogenic (2); Likely pathogenic (1). 1 of the submissions does not count toward it. Last evaluated 2024-03-08.

Conditions:
Galactosylceramide beta-galactosidase deficiency. Also called: GALACTOCEREBROSIDASE DEFICIENCY; GALC DEFICIENCY; GLOBOID CELL LEUKOENCEPHALOPATHY; Krabbe Disease; Leukodystrophy, Globoid Cell. Identifiers: Orphanet 487, MedGen C0023521, MONDO:0009499, OMIM 245200.
Fabry disease. Also called: ALPHA-GALACTOSIDASE A DEFICIENCY; ANDERSON-FABRY DISEASE; CERAMIDE TRIHEXOSIDASE DEFICIENCY; GLA DEFICIENCY; HEREDITARY DYSTOPIC LIPIDOSIS; Fabry's disease. Identifiers: Orphanet 324, MedGen C0002986, MONDO:0010526, OMIM 301500, HP:0001071. Disease mechanism: Fabry disease is due to inactivating mutations in the X-linked GLA gene resulting in deficiency of the enzyme Alpha Galactosidase-A., loss of function.

Allele frequency attached by ClinVar (database versions not stated): gnomAD exomes below 0.00001.
gnomAD v4.1: 1 of 1,613,680 alleles (0.000062%); highest among the groups gnomAD compares: Non-Finnish European, 0.000085%; no homozygotes.

Submissions (4):

Women's Health and Genetics/Laboratory Corporation of America, LabCorp
Classification: Pathogenic for Galactosylceramide beta-galactosidase deficiency. Last evaluated: 2024-03-08. Review status: criteria provided, single submitter. Criteria: LabCorp Variant Classification Summary - May 2015. Collection method: clinical testing. Allele origin: germline.
Comment: Variant summary: GALC c.830G>A (p.Ser277Asn) results in a conservative amino acid change located in the Glycosyl hydrolase family 59, catalytic domain (IPR049161) of the encoded protein sequence. Three of five in-silico tools predict a damaging effect of the variant on protein function. The variant was absent in 249284 control chromosomes. c.830G>A has been reported in the literature as a homozygous genotype in multiple individuals affected with features of Krabbe Disease/Leukodystrophies (example, Mahdieh_2021, Ashrafi_2023). These data indicate that the variant is very likely to be associated with disease. To our knowledge, no experimental evidence demonstrating an impact on protein function has been reported. The following publications have been ascertained in the context of this evaluation (PMID: 37597066, 33547378). ClinVar contains an entry for this variant (Variation ID: 873006). Based on the evidence outlined above, the variant was classified as pathogenic.

Women's Health and Genetics/Laboratory Corporation of America, LabCorp
Classification: Pathogenic for Fabry disease. Last evaluated: 2024-03-08. Review status: criteria provided, single submitter. Criteria: LabCorp Variant Classification Summary - May 2015. Collection method: clinical testing. Allele origin: germline.
Comment: Variant summary: GLA c.830G>A (p.Trp277X) results in a premature termination codon, predicted to cause a truncation of the encoded protein or absence of the protein due to nonsense mediated decay, which are commonly known mechanisms for disease. Truncations downstream of this position have been classified as pathogenic by our laboratory. The variant was absent in 183402 control chromosomes (gnomAD). c.830G>A has been reported in the literature in multiple individuals affected with Classic Fabry Disease (Topaloglu_1999, Nakano_2015, Sivley_2018). These data indicate that the variant is very likely to be associated with disease. To our knowledge, no experimental evidence demonstrating an impact on protein function has been reported. A ClinVar submission from a clinical diagnostic laboratory (evaluation after 2014) cites the variant as pathogenic. Based on the evidence outlined above, the variant was classified as pathogenic.

Rajaie Cardiovascular, Medical and Research Center, Iran University of Medical Sciences
Classification: Likely pathogenic for Galactosylceramide beta-galactosidase deficiency. Last evaluated: 2019-07-05. Review status: criteria provided, single submitter. Criteria: ACMG Guidelines, 2015. Collection method: research. Allele origin: inherited. Inheritance: Autosomal recessive inheritance. Affected: yes.

Myelin Disorders Clinic-Children's Medical Center/Medical Genetics Lab-Tarbiat Modares University, Children's Medical Center, Pediatrics Center of Excellence,
Classification: Uncertain significance for Galactosylceramide beta-galactosidase deficiency. Review status: no assertion criteria provided. Collection method: clinical testing. Allele origin: inherited. Inheritance: Autosomal recessive inheritance. Affected: yes. Not counted in ClinVar's aggregate classification.

Literature cited by the submitters: PubMed 33547378 (cited by Women's Health and Genetics/Laboratory Corporation of America, LabCorp); PubMed 37597066 (cited by Women's Health and Genetics/Laboratory Corporation of America, LabCorp).